The following is an entry in ClinVar:

NM_005219.5(DIAPH1):c.1163+8T>C

Gene: DIAPH1 (diaphanous related formin 1; minus strand). Cytogenetic location: 5q31.3.
Variant type: single nucleotide variant.
Coding change: c.1163+8T>C on transcript NM_005219.5 (MANE Select); 8 bases into the intron after coding-DNA position 1163, T replaced by C.
Molecular consequence: intron variant.
Genome position (GRCh38, 1-based): chr5:141,578,217, A>G on the plus strand (T>C on the coding strand, the complement: DIAPH1 is on the minus strand). VCF-style: chr5-141578217-A-G. GRCh37 (hg19) VCF-style: chr5-140957784-A-G.
Other names: c.1136+8T>C (NM_001079812.3); c.1163+8T>C (NM_001314007.2).
Identifiers: ClinVar variation 3756119 (VCV003756119.2).

ClinVar aggregate classification (germline): Uncertain significance (1 of 4 stars; one submission).

Conditions:
Autosomal dominant nonsyndromic hearing loss 1. Also called: KONIGSMARK SYNDROME; DEAFNESS, AUTOSOMAL DOMINANT 1, WITH OR WITHOUT THROMBOCYTOPENIA. Identifiers: Orphanet 90635, MedGen C1852282, MONDO:0007424, OMIM 124900.
Progressive microcephaly-seizures-cortical blindness-developmental delay syndrome. Also called: Seizures, cortical blindness, and microcephaly syndrome. Identifiers: Orphanet 477814, MedGen C5567650, MONDO:0014714, OMIM 616632.

Submission:

Labcorp Genetics (formerly Invitae), Labcorp
Classification: Uncertain significance for Progressive microcephaly-seizures-cortical blindness-developmental delay syndrome; Autosomal dominant nonsyndromic hearing loss 1. Last evaluated: 2024-11-11. Review status: criteria provided, single submitter. Criteria: Invitae Variant Classification Sherloc (09022015). Collection method: clinical testing. Allele origin: germline.
Comment: This sequence change falls in intron 11 of the DIAPH1 gene. It does not directly change the encoded amino acid sequence of the DIAPH1 protein. This variant is not present in population databases (gnomAD no frequency). This variant has not been reported in the literature in individuals affected with DIAPH1-related conditions. Algorithms developed to predict the effect of sequence changes on RNA splicing suggest that this variant may disrupt the consensus splice site. In summary, the available evidence is currently insufficient to determine the role of this variant in disease. Therefore, it has been classified as a Variant of Uncertain Significance.